The following is an entry in ClinVar:

NM_001014987.2(LAT):c.541G>A (p.Ala181Thr)

Gene: LAT (linker for activation of T cells; plus strand). Cytogenetic location: 16p11.2.
Variant type: single nucleotide variant.
Coding change: c.541G>A on transcript NM_001014987.2 (MANE Select); coding-DNA position 541, G replaced by A.
Protein change: p.Ala181Thr; replaces alanine 181 with threonine.
Molecular consequence: missense variant.
Genome position (GRCh38, 1-based): chr16:28,989,574, G>A. VCF-style: chr16-28989574-G-A. GRCh37 (hg19) VCF-style: chr16-29000895-G-A.
Other names: c.538G>A, p.Ala180Thr (NM_001014988.2); c.649G>A, p.Ala217Thr (NM_001014989.2); c.628G>A, p.Ala210Thr (NM_014387.4); short protein forms A180T, A210T, A181T, A217T.
Identifiers: ClinVar variation 2052787 (VCV002052787.2), dbSNP rs779585597, ClinGen allele CA7990063.
Genomic context (GRCh38, chr16:28,989,574, plus strand): 5'-GGCTTTTCCACAGTGGAGTCCATTGATGATTACGTGAACGTTCCGGAGAGCGGGGAGAGC[G>A]CAGAAGCGTCTCTGGGTGAGTGACCGGTGCTTGTCGGTGCCTGCCCCTGCACCCCGCTGC-3'
Protein context (NP_001014987.1, residues 171-191): YVNVPESGES[Ala181Thr]EASLDGSREY

ClinVar aggregate classification (germline): Uncertain significance (1 of 4 stars; one submission).

Allele frequency attached by ClinVar (database versions not stated): gnomAD exomes 0.00003; TOPMed 0.00006; gnomAD 0.00007; ExAC 0.00009.
gnomAD v4.1: 58 of 1,611,026 alleles (0.0036%); highest among the groups gnomAD compares: Middle Eastern, 0.05%; no homozygotes.

Submission:

Labcorp Genetics (formerly Invitae), Labcorp
Classification: Uncertain significance. Last evaluated: 2025-10-01. Review status: criteria provided, single submitter. Criteria: Invitae Variant Classification Sherloc (09022015). Collection method: clinical testing. Allele origin: germline.
Comment: This sequence change replaces alanine, which is neutral and non-polar, with threonine, which is neutral and polar, at codon 181 of the LAT protein (p.Ala181Thr). This variant is present in population databases (rs779585597, gnomAD 0.01%). This variant has not been reported in the literature in individuals affected with LAT-related conditions. ClinVar contains an entry for this variant (Variation ID: 2052787). An algorithm developed to predict the effect of missense changes on protein structure and function outputs the following: PolyPhen-2: "Benign". The threonine amino acid residue is found in multiple mammalian species, which suggests that this missense change does not adversely affect protein function. In summary, the available evidence is currently insufficient to determine the role of this variant in disease. Therefore, it has been classified as a Variant of Uncertain Significance.